The following is an entry in ClinVar:

ClinVar aggregate classification (germline): Conflicting classifications of pathogenicity. Review status: criteria provided, conflicting classifications (1 of 4 stars). 3 submissions from 3 submitters: Uncertain significance (1); Likely benign (1). 1 of the submissions does not count toward it. Last evaluated 2025-08-07.

Conditions:
Duchenne muscular dystrophy (DMD). Also called: Duchenne Muscular Dystrophy (DMD); MUSCULAR DYSTROPHY, PSEUDOHYPERTROPHIC PROGRESSIVE, DUCHENNE TYPE. Identifiers: Orphanet 98896, MedGen C0013264, MONDO:0010679, OMIM 310200.
Dystrophin deficiency.
Becker muscular dystrophy (BMD). Also called: MUSCULAR DYSTROPHY, PSEUDOHYPERTROPHIC PROGRESSIVE, BECKER TYPE; Becker Muscular Dystrophy (BMD). Identifiers: Orphanet 98895, MedGen C0917713, MONDO:0010311, OMIM 300376.
Cardiomyopathy (CMYO). Also called: Cardiomyopathies. Identifiers: Orphanet 167848, MedGen C0878544, MONDO:0004994, HP:0001638. Inheritance: Various modes of inheritance.
Cardiovascular phenotype. Identifiers: MedGen CN230736.

Allele frequency attached by ClinVar (database versions not stated): TOPMed 0.00001.
gnomAD v4.1: 1 of 1,209,457 alleles (0.000083%); highest among the groups gnomAD compares: Non-Finnish European, 0.00011%; no homozygotes.

Submissions (3):

Ambry Genetics
Classification: Likely benign for Cardiovascular phenotype. Last evaluated: 2025-08-07. Review status: criteria provided, single submitter. Criteria: Ambry Variant Classification Scheme 2023. Collection method: clinical testing. Allele origin: germline.

Labcorp Genetics (formerly Invitae), Labcorp
Classification: Uncertain significance for Duchenne muscular dystrophy. Last evaluated: 2025-04-22. Review status: criteria provided, single submitter. Criteria: Invitae Variant Classification Sherloc (09022015). Collection method: clinical testing. Allele origin: germline.
Comment: This sequence change replaces arginine, which is basic and polar, with proline, which is neutral and non-polar, at codon 2720 of the DMD protein (p.Arg2720Pro). This variant is not present in population databases (gnomAD no frequency). This variant has not been reported in the literature in individuals affected with DMD-related conditions. ClinVar contains an entry for this variant (Variation ID: 850673). Invitae Evidence Modeling of protein sequence and biophysical properties (such as structural, functional, and spatial information, amino acid conservation, physicochemical variation, residue mobility, and thermodynamic stability) indicates that this missense variant is not expected to disrupt DMD protein function with a negative predictive value of 95%. In summary, the available evidence is currently insufficient to determine the role of this variant in disease. Therefore, it has been classified as a Variant of Uncertain Significance.

Natera, Inc.
Classification: Uncertain significance for Becker muscular dystrophy; Cardiomyopathy; Duchenne muscular dystrophy; Dystrophin deficiency. Last evaluated: 2018-08-11. Review status: no assertion criteria provided. Collection method: clinical testing. Allele origin: germline. Not counted in ClinVar's aggregate classification.

NM_004006.3(DMD):c.8159G>C (p.Arg2720Pro)

Gene: DMD (dystrophin; minus strand). Cytogenetic location: Xp21.1.
Variant type: single nucleotide variant.
Coding change: c.8159G>C on transcript NM_004006.3 (MANE Select); coding-DNA position 8159, G replaced by C.
Protein change: p.Arg2720Pro; replaces arginine 2720 with proline.
Molecular consequence: missense variant.
Genome position (GRCh38, 1-based): chrX:31,627,731, C>G on the plus strand (G>C on the coding strand, the complement: DMD is on the minus strand). VCF-style: chrX-31627731-C-G. GRCh37 (hg19) VCF-style: chrX-31645848-C-G.
Other names: c.8135G>C, p.Arg2712Pro (NM_000109.4); c.8147G>C, p.Arg2716Pro (NM_004009.3); c.7790G>C, p.Arg2597Pro (NM_004010.3); c.4136G>C, p.Arg1379Pro (NM_004011.4); c.4127G>C, p.Arg1376Pro (NM_004012.4); c.779G>C, p.Arg260Pro (NM_004013.3, NM_004020.4, NM_004021.3 and 2 more transcripts); short protein forms R2597P, R2712P, R2720P, R260P, R1379P, R2716P, R1376P.
Identifiers: ClinVar variation 850673 (VCV000850673.10), dbSNP rs760495223, ClinGen allele CA412657177.